The following is an entry in ClinVar:

NM_001136193.2(FASTKD2):c.712G>A (p.Ala238Thr)

Gene: FASTKD2 (FAST kinase domains 2; plus strand). Cytogenetic location: 2q33.3.
Variant type: single nucleotide variant.
Coding change: c.712G>A on transcript NM_001136193.2 (MANE Select); coding-DNA position 712, G replaced by A.
Protein change: p.Ala238Thr; replaces alanine 238 with threonine.
Molecular consequence: missense variant.
Genome position (GRCh38, 1-based): chr2:206,767,405, G>A. VCF-style: chr2-206767405-G-A. GRCh37 (hg19) VCF-style: chr2-207632129-G-A.
Other names: c.712G>A, p.Ala238Thr (NM_001136194.2, NM_014929.4); short protein forms A238T.
Identifiers: ClinVar variation 896449 (VCV000896449.9), dbSNP rs368819721, ClinGen allele CA2074929.

ClinVar aggregate classification (germline): Uncertain significance. Review status: criteria provided, multiple submitters, no conflicts (2 of 4 stars). 3 submissions from 3 submitters: Uncertain significance (3). Last evaluated 2022-05-12.

Conditions:
Combined oxidative phosphorylation deficiency 44. Also called: FASTKD2-Related Combined Oxidative Phosphorylation Deficiency. Identifiers: MedGen C5394293, MONDO:0030020, OMIM 618855.
Mitochondrial complex IV deficiency, nuclear type 1 (MC4DN1). Also called: Mitochondrial complex IV deficiency; Complex 4 mitochondrial respiratory chain deficiency; Deficiency of mitochondrial respiratory chain complex4; Complex IV deficiency; COX DEFICIENCY. Identifiers: MedGen C5435656, MONDO:0700250, OMIM 220110. Disease mechanism: loss of function.

Allele frequency attached by ClinVar (database versions not stated): gnomAD 0.00002; TOPMed 0.00003; ExAC 0.00004; gnomAD exomes 0.00004; ESP Exome Variant Server 0.00008.
gnomAD v4.1: 26 of 1,613,232 alleles (0.0016%); highest among the groups gnomAD compares: East Asian, 0.013%; no homozygotes.

Submissions (3):

Labcorp Genetics (formerly Invitae), Labcorp
Classification: Uncertain significance. Last evaluated: 2022-05-12. Review status: criteria provided, single submitter. Criteria: Invitae Variant Classification Sherloc (09022015). Collection method: clinical testing. Allele origin: germline.
Comment: ClinVar contains an entry for this variant (Variation ID: 896449). In summary, the available evidence is currently insufficient to determine the role of this variant in disease. Therefore, it has been classified as a Variant of Uncertain Significance. Algorithms developed to predict the effect of missense changes on protein structure and function are either unavailable or do not agree on the potential impact of this missense change (SIFT: "Tolerated"; PolyPhen-2: "Possibly Damaging"; Align-GVGD: "Class C0"). This variant has not been reported in the literature in individuals affected with FASTKD2-related conditions. This variant is present in population databases (rs368819721, gnomAD 0.03%). This sequence change replaces alanine, which is neutral and non-polar, with threonine, which is neutral and polar, at codon 238 of the FASTKD2 protein (p.Ala238Thr).

Fulgent Genetics
Classification: Uncertain significance for Combined oxidative phosphorylation deficiency 44. Last evaluated: 2021-10-15. Review status: criteria provided, single submitter. Criteria: ACMG Guidelines, 2015. Collection method: clinical testing. Allele origin: unknown.

Illumina Laboratory Services, Illumina
Classification: Uncertain significance for Mitochondrial complex IV deficiency, nuclear type 1. Last evaluated: 2018-01-13. Review status: criteria provided, single submitter. Criteria: ICSL Variant Classification Criteria 13 December 2019. Collection method: clinical testing. Allele origin: germline.